The following is an entry in ClinVar:

NM_001122752.2(SERPINI1):c.629G>A (p.Ser210Asn)

Gene: SERPINI1 (serpin family I member 1; plus strand). Cytogenetic location: 3q26.1.
Variant type: single nucleotide variant.
Coding change: c.629G>A on transcript NM_001122752.2 (MANE Select); coding-DNA position 629, G replaced by A.
Protein change: p.Ser210Asn; replaces serine 210 with asparagine.
Molecular consequence: missense variant.
Genome position (GRCh38, 1-based): chr3:167,792,737, G>A. VCF-style: chr3-167792737-G-A. GRCh37 (hg19) VCF-style: chr3-167510525-G-A.
Other names: c.629G>A, p.Ser210Asn (NM_005025.5); short protein forms S210N.
Identifiers: ClinVar variation 1941396 (VCV001941396.5), dbSNP rs1296179457, ClinGen allele CA355156757.

ClinVar aggregate classification (germline): Uncertain significance (1 of 4 stars; one submission).

Conditions:
Familial encephalopathy with neuroserpin inclusion bodies. Also called: ENCEPHALOPATHY, FAMILIAL, WITH COLLINS BODIES. Identifiers: Orphanet 85110, MedGen C1858680, MONDO:0011412, OMIM 604218.

Allele frequency attached by ClinVar (database versions not stated): gnomAD exomes below 0.00001; gnomAD 0.00002.
gnomAD v4.1: 4 of 1,613,738 alleles (0.00025%); highest among the groups gnomAD compares: African/African-American, 0.004%; no homozygotes.

Submission:

Labcorp Genetics (formerly Invitae), Labcorp
Classification: Uncertain significance for Familial encephalopathy with neuroserpin inclusion bodies. Last evaluated: 2024-06-10. Review status: criteria provided, single submitter. Criteria: Invitae Variant Classification Sherloc (09022015). Collection method: clinical testing. Allele origin: germline.
Comment: This sequence change replaces serine, which is neutral and polar, with asparagine, which is neutral and polar, at codon 210 of the SERPINI1 protein (p.Ser210Asn). This variant is present in population databases (no rsID available, gnomAD 0.02%). This variant has not been reported in the literature in individuals affected with SERPINI1-related conditions. ClinVar contains an entry for this variant (Variation ID: 1941396). Advanced modeling of protein sequence and biophysical properties (such as structural, functional, and spatial information, amino acid conservation, physicochemical variation, residue mobility, and thermodynamic stability) performed at Invitae indicates that this missense variant is not expected to disrupt SERPINI1 protein function with a negative predictive value of 80%. In summary, the available evidence is currently insufficient to determine the role of this variant in disease. Therefore, it has been classified as a Variant of Uncertain Significance.